The following is an entry in ClinVar:

ClinVar aggregate classification (germline): Uncertain significance. Review status: criteria provided, multiple submitters, no conflicts (2 of 4 stars). 3 submissions from 3 submitters: Uncertain significance (3). Last evaluated 2025-07-14.

Conditions:
Hereditary cancer-predisposing syndrome. Also called: Tumor predisposition; Hereditary Cancer Syndrome; Hereditary neoplastic syndrome; Neoplastic Syndromes, Hereditary. Identifiers: Orphanet 140162, MedGen C0027672, MeSH D009386, MONDO:0015356.
POLD1-related polyposis and colorectal cancer syndrome (CRCS10). Also called: Colorectal cancer 10; COLORECTAL CANCER, SUSCEPTIBILITY TO, ON CHROMOSOME 19q; Colorectal cancer, susceptibility to, 10. Identifiers: Orphanet 220460, MedGen C2675481, MONDO:0012953, OMIM 612591.

Submissions (3):

Labcorp Genetics (formerly Invitae), Labcorp
Classification: Uncertain significance for POLD1-related polyposis and colorectal cancer syndrome. Last evaluated: 2025-07-14. Review status: criteria provided, single submitter. Criteria: Invitae Variant Classification Sherloc (09022015). Collection method: clinical testing. Allele origin: germline.
Comment: This sequence change replaces arginine, which is basic and polar, with leucine, which is neutral and non-polar, at codon 985 of the POLD1 protein (p.Arg985Leu). The frequency data for this variant in the population databases is considered unreliable, as metrics indicate poor data quality at this position in the gnomAD database. This variant has not been reported in the literature in individuals affected with POLD1-related conditions. ClinVar contains an entry for this variant (Variation ID: 850842). An algorithm developed to predict the effect of missense changes on protein structure and function (PolyPhen-2) suggests that this variant is likely to be disruptive. In summary, the available evidence is currently insufficient to determine the role of this variant in disease. Therefore, it has been classified as a Variant of Uncertain Significance.

GeneDx
Classification: Uncertain significance. Last evaluated: 2023-12-09. Review status: criteria provided, single submitter. Criteria: GeneDx Variant Classification Process June 2021. Collection method: clinical testing. Allele origin: germline. Affected: yes.
Comment: Not observed at significant frequency in large population cohorts (gnomAD); In silico analysis supports that this missense variant has a deleterious effect on protein structure/function; Has not been previously published as pathogenic or benign to our knowledge; This variant is associated with the following publications: (PMID: 31937788)

Ambry Genetics
Classification: Uncertain significance for Hereditary cancer-predisposing syndrome. Last evaluated: 2023-09-28. Review status: criteria provided, single submitter. Criteria: Ambry Variant Classification Scheme 2023. Collection method: clinical testing. Allele origin: germline.
Comment: The p.R985L variant (also known as c.2954G>T) is located in coding exon 23 of the POLD1 gene. The arginine at codon 985 is replaced by leucine, an amino acid with dissimilar properties. This change occurs in the first base pair of coding exon 23. This amino acid position is conserved. In addition, this alteration is predicted to be tolerated by in silico analysis. Since supporting evidence is limited at this time, the clinical significance of this alteration remains unclear.

NM_002691.4(POLD1):c.2954G>T (p.Arg985Leu)

Gene: POLD1 (DNA polymerase delta 1, catalytic subunit; plus strand). Cytogenetic location: 19q13.33.
Variant type: single nucleotide variant.
Coding change: c.2954G>T on transcript NM_002691.4 (MANE Select); coding-DNA position 2954, G replaced by T.
Protein change: p.Arg985Leu; replaces arginine 985 with leucine.
Molecular consequence: missense variant. On other transcripts: non-coding transcript variant (1).
Genome position (GRCh38, 1-based): chr19:50,416,610, G>T. VCF-style: chr19-50416610-G-T. GRCh37 (hg19) VCF-style: chr19-50919867-G-T.
Other names: c.2954G>T, p.Arg985Leu (NM_001256849.1); c.3032G>T, p.Arg1011Leu (NM_001308632.1); short protein forms R1011L, R985L.
Identifiers: ClinVar variation 850842 (VCV000850842.11), dbSNP rs749159160, ClinGen allele CA406986765.